The following is an entry in ClinVar:

ClinVar aggregate classification (germline): Pathogenic (0 of 4 stars; one submission).

Conditions:
Deficiency of ferroxidase (ACEP). Also called: Deficiency of ceruloplasmin; Aceruloplasminemia; Ceruloplasmin deficiency; Familial apoceruloplasmin deficiency; Hereditary ceruloplasmin deficiency; NEURODEGENERATION WITH BRAIN IRON ACCUMULATION 10. Identifiers: Orphanet 48818, MedGen C0878682, MONDO:0011426, OMIM 604290, HP:0025498.

Allele frequency attached by ClinVar (database versions not stated): TOPMed below 0.00001; gnomAD exomes below 0.00001; gnomAD 0.00001.

Submission:

GeneReviews
Classification: Pathogenic for Aceruloplasminemia. Last evaluated: 2013-04-18. Review status: no assertion criteria provided. Collection method: curation. Allele origin: unknown.
ClinVar note: Converted during submission from pathologic to Pathogenic.

NM_000096.4(CP):c.2689_2690del (p.Leu897fs)

Gene: CP (ceruloplasmin; minus strand). Cytogenetic location: 3q24.
Variant type: Deletion.
Coding change: c.2689_2690del on transcript NM_000096.4 (MANE Select); coding-DNA positions 2689 to 2690, 2 bases deleted (CT; older notation c.2689_2690delCT).
Protein change: p.Leu897fs; shifts the reading frame from leucine 897.
Molecular consequence: frameshift variant. On other transcripts: non-coding transcript variant (1).
Genome position (GRCh38, 1-based): chr3:149,178,603-149,178,604, AG deleted on the plus strand (CT on the coding strand, the reverse complement: CP is on the minus strand). VCF-style (leftmost placement, unchanged base first): chr3-149178602-CAG-C. GRCh37 (hg19) VCF-style: chr3-148896389-CAG-C.
Other names: c.2689_2690delCT; short protein forms L897fs.
Identifiers: ClinVar variation 42154 (VCV000042154.3), dbSNP rs386134153, ClinGen allele CA344615.